The following is an entry in ClinVar:

ClinVar aggregate classification (germline): Uncertain significance. Review status: criteria provided, multiple submitters, no conflicts (2 of 4 stars). 3 submissions from 3 submitters: Uncertain significance (3). Last evaluated 2026-09-18.

Conditions:
Very long chain acyl-CoA dehydrogenase deficiency (ACADVLD). Also called: Very Long-Chain Acyl-Coenzyme A Dehydrogenase Deficiency; VLCAD Deficiency. Identifiers: Orphanet 26793, MedGen C3887523, MONDO:0008723, OMIM 201475.

Allele frequency attached by ClinVar (database versions not stated): gnomAD 0.00001; TOPMed 0.00002.
gnomAD v4.1: 3 of 1,613,894 alleles (0.00019%); highest among the groups gnomAD compares: African/African-American, 0.004%; no homozygotes.

Submissions (3):

GeneDx
Classification: Uncertain significance. Last evaluated: 2026-09-18. Review status: criteria provided, single submitter. Criteria: GeneDx Variant Classification Process June 2021. Collection method: clinical testing. Allele origin: germline.
Comment: Not observed at significant frequency in large population cohorts (gnomAD); In silico analysis supports that this missense variant has a deleterious effect on protein structure/function; Has not been previously published as pathogenic or benign to our knowledge

Women's Health and Genetics/Laboratory Corporation of America, LabCorp
Classification: Uncertain significance. Last evaluated: 2024-07-05. Review status: criteria provided, single submitter. Criteria: LabCorp Variant Classification Summary - May 2015. Collection method: clinical testing. Allele origin: germline.
Comment: Variant summary: ACADVL c.1013A>G (p.Asn338Ser) results in a conservative amino acid change located in the Acyl-CoA dehydrogenase/oxidase, C-terminal domain (IPR009075) of the encoded protein sequence. Four of five in-silico tools predict a damaging effect of the variant on protein function. The variant was absent in 251320 control chromosomes (gnomAD). The available data on variant occurrences in the general population are insufficient to allow any conclusion about variant significance. To our knowledge, no occurrence of c.1013A>G in individuals affected with Very Long Chain Acyl-CoA Dehydrogenase Deficiency and no experimental evidence demonstrating its impact on protein function have been reported. ClinVar contains an entry for this variant (Variation ID: 427212). Based on the evidence outlined above, the variant was classified as uncertain significance.

Labcorp Genetics (formerly Invitae), Labcorp
Classification: Uncertain significance for Very long chain acyl-CoA dehydrogenase deficiency. Last evaluated: 2022-10-14. Review status: criteria provided, single submitter. Criteria: Invitae Variant Classification Sherloc (09022015). Collection method: clinical testing. Allele origin: germline.
Comment: This sequence change replaces asparagine, which is neutral and polar, with serine, which is neutral and polar, at codon 338 of the ACADVL protein (p.Asn338Ser). This variant is not present in population databases (gnomAD no frequency). This missense change has been observed in individual(s) with a positive newborn screening result for ACADVL-related disease (Invitae). ClinVar contains an entry for this variant (Variation ID: 427212). Advanced modeling of protein sequence and biophysical properties (such as structural, functional, and spatial information, amino acid conservation, physicochemical variation, residue mobility, and thermodynamic stability) performed at Invitae indicates that this missense variant is expected to disrupt ACADVL protein function. In summary, the available evidence is currently insufficient to determine the role of this variant in disease. Therefore, it has been classified as a Variant of Uncertain Significance.

NM_000018.4(ACADVL):c.1013A>G (p.Asn338Ser)

Gene: ACADVL (acyl-CoA dehydrogenase very long chain; plus strand). Cytogenetic location: 17p13.1.
Variant type: single nucleotide variant.
Coding change: c.1013A>G on transcript NM_000018.4 (MANE Select); coding-DNA position 1013, A replaced by G.
Protein change: p.Asn338Ser; replaces asparagine 338 with serine.
Molecular consequence: missense variant.
Genome position (GRCh38, 1-based): chr17:7,222,801, A>G. VCF-style: chr17-7222801-A-G. GRCh37 (hg19) VCF-style: chr17-7126120-A-G.
Other names: c.947A>G, p.Asn316Ser (NM_001033859.3); c.1082A>G, p.Asn361Ser (NM_001270447.2); c.785A>G, p.Asn262Ser (NM_001270448.2); short protein forms N338S, N361S, N316S, N262S.
Identifiers: ClinVar variation 427212 (VCV000427212.8), dbSNP rs956279629, ClinGen allele CA287437666.